The following is an entry in ClinVar:

ClinVar aggregate classification (germline): Uncertain significance (1 of 4 stars; one submission).

Conditions:
Cognitive impairment - coarse facies - heart defects - obesity - pulmonary involvement - short stature - skeletal dysplasia syndrome. Also called: COGNITIVE IMPAIRMENT, COARSE FACIES, HEART DEFECTS, OBESITY, PULMONARY INVOLVEMENT, SHORT STATURE, AND SKELETAL DYSPLASIA; Chops syndrome; AFF4-Related CHOPS Syndrome. Identifiers: Orphanet 444077, MedGen C4085597, MONDO:0014609, OMIM 616368.

Allele frequency attached by ClinVar (database versions not stated): gnomAD 0.00001; gnomAD exomes 0.00001.
gnomAD v4.1: 14 of 1,612,238 alleles (0.00087%); highest among the groups gnomAD compares: African/African-American, 0.0013%; no homozygotes.

Submission:

Labcorp Genetics (formerly Invitae), Labcorp
Classification: Uncertain significance for Cognitive impairment - coarse facies - heart defects - obesity - pulmonary involvement - short stature - skeletal dysplasia syndrome. Last evaluated: 2023-04-03. Review status: criteria provided, single submitter. Criteria: Invitae Variant Classification Sherloc (09022015). Collection method: clinical testing. Allele origin: germline.
Comment: This variant has not been reported in the literature in individuals affected with AFF4-related conditions. This variant is not present in population databases (gnomAD no frequency). This sequence change falls in intron 9 of the AFF4 gene. It does not directly change the encoded amino acid sequence of the AFF4 protein. Algorithms developed to predict the effect of sequence changes on RNA splicing suggest that this variant may create or strengthen a splice site. In summary, the available evidence is currently insufficient to determine the role of this variant in disease. Therefore, it has been classified as a Variant of Uncertain Significance.

NM_014423.4(AFF4):c.1226+12T>C

Gene: AFF4 (ALF transcription elongation factor 4; minus strand). Cytogenetic location: 5q31.1.
Variant type: single nucleotide variant.
Coding change: c.1226+12T>C on transcript NM_014423.4 (MANE Select); 12 bases into the intron after coding-DNA position 1226, T replaced by C.
Molecular consequence: intron variant.
Genome position (GRCh38, 1-based): chr5:132,899,092, A>G on the plus strand (T>C on the coding strand, the complement: AFF4 is on the minus strand). VCF-style: chr5-132899092-A-G. GRCh37 (hg19) VCF-style: chr5-132234784-A-G.
Identifiers: ClinVar variation 2891950 (VCV002891950.3), dbSNP rs1760483763, ClinGen allele CA1081664827.
Genomic context (GRCh38, chr5:132,899,092, plus strand): 5'-TATTATATCCCTGCAATGTTATCAGGCTGACCCAACTCTTACCAATAAAACAGAAAAGAA[A>G]AGGATGCCCACCTTCCTGGTGTACTCCTCGGCATTGTCTTATCACAATCCTAAAATTAAA-3'